The following is an entry in ClinVar:

NM_000535.7(PMS2):c.2341del (p.Gln781fs)

Gene: PMS2 (PMS1 homolog 2, mismatch repair system component; minus strand). Cytogenetic location: 7p22.1.
Variant type: Deletion.
Coding change: c.2341del on transcript NM_000535.7 (MANE Select); coding-DNA position 2341, one base deleted (C; older notation c.2341delC).
Protein change: p.Gln781fs; shifts the reading frame from glutamine 781.
Molecular consequence: frameshift variant. On other transcripts: non-coding transcript variant (1).
Genome position (GRCh38, 1-based): chr7:5,977,692, G deleted on the plus strand (C on the coding strand, the reverse complement: PMS2 is on the minus strand); the first of 4 consecutive G bases (chr7:5,977,692-5,977,695); deleting any one gives the same sequence. VCF-style (leftmost placement, unchanged base first): chr7-5977691-TG-T. GRCh37 (hg19) VCF-style: chr7-6017322-TG-T.
Other names: c.1933delC, p.Gln646Argfs (NM_001018040.1); c.1936del, p.Gln646fs (NM_001322003.2, NM_001322004.2, NM_001322005.2 and 11 more transcripts); c.2185del, p.Gln729fs (NM_001322006.2); c.2023del, p.Gln675fs (NM_001322007.2, NM_001322008.2, NM_001406883.1); c.1969del, p.Gln657fs (NM_001322009.2, NM_001406887.1, NM_001406888.1); c.1780del, p.Gln594fs (NM_001322010.2, NM_001406906.1, NM_001406907.1); c.1408del, p.Gln470fs (NM_001322011.2, NM_001322012.2); c.1768del, p.Gln590fs (NM_001322013.2, NM_001406908.1, NM_001406909.1); and 21 more; short protein forms Q380fs, Q470fs, Q524fs, Q542fs, Q590fs, Q594fs, Q610fs, Q619fs.
Identifiers: ClinVar variation 2674211 (VCV002674211.1), dbSNP rs2128674468, ClinGen allele CA2695198400.

ClinVar aggregate classification (germline): Pathogenic (1 of 4 stars; one submission).

Conditions:
Lynch syndrome 4 (LYNCH4). Also called: Hereditary non-polyposis colorectal cancer, type 4; Colorectal cancer, hereditary nonpolyposis, type 4. Identifiers: Orphanet 144, MedGen C1838333, MONDO:0013699, OMIM 614337. Disease mechanism: loss of function.

Submission:

Myriad Genetics, Inc.
Classification: Pathogenic for Lynch syndrome 4. Last evaluated: 2023-09-22. Review status: criteria provided, single submitter. Criteria: Myriad Autosomal Dominant, Autosomal Recessive and X-Linked Classification Criteria (2023). Collection method: clinical testing. Allele origin: unknown.
Comment: This variant is considered pathogenic. This variant creates a frameshift predicted to result in premature protein truncation.